The following is an entry in ClinVar:

ClinVar aggregate classification (germline): Uncertain significance (1 of 4 stars; one submission).

Allele frequency attached by ClinVar (database versions not stated): ExAC 0.00001; gnomAD 0.00001.

Submission:

Labcorp Genetics (formerly Invitae), Labcorp
Classification: Uncertain significance. Last evaluated: 2023-05-23. Review status: criteria provided, single submitter. Criteria: Invitae Variant Classification Sherloc (09022015). Collection method: clinical testing. Allele origin: germline.
Comment: This sequence change replaces arginine, which is basic and polar, with tryptophan, which is neutral and slightly polar, at codon 1024 of the PLCE1 protein (p.Arg1024Trp). The frequency data for this variant in the population databases is considered unreliable, as metrics indicate poor data quality at this position in the gnomAD database. In summary, the available evidence is currently insufficient to determine the role of this variant in disease. Therefore, it has been classified as a Variant of Uncertain Significance. Advanced modeling of protein sequence and biophysical properties (such as structural, functional, and spatial information, amino acid conservation, physicochemical variation, residue mobility, and thermodynamic stability) performed at Invitae indicates that this missense variant is not expected to disrupt PLCE1 protein function. ClinVar contains an entry for this variant (Variation ID: 1917115). This variant has not been reported in the literature in individuals affected with PLCE1-related conditions.

NM_016341.4(PLCE1):c.3070C>T (p.Arg1024Trp)

Gene: PLCE1 (phospholipase C epsilon 1; plus strand). Cytogenetic location: 10q23.33.
Variant type: single nucleotide variant.
Coding change: c.3070C>T on transcript NM_016341.4 (MANE Select); coding-DNA position 3070, C replaced by T.
Protein change: p.Arg1024Trp; replaces arginine 1024 with tryptophan.
Molecular consequence: missense variant.
Genome position (GRCh38, 1-based): chr10:94,246,595, C>T. VCF-style: chr10-94246595-C-T. GRCh37 (hg19) VCF-style: chr10-96006352-C-T.
Other names: c.2146C>T, p.Arg716Trp (NM_001165979.2); c.3070C>T, p.Arg1024Trp (NM_001288989.2); short protein forms R1024W, R716W.
Identifiers: ClinVar variation 1917115 (VCV001917115.5), dbSNP rs776237015, ClinGen allele CA5612757.